The following is an entry in ClinVar:

ClinVar aggregate classification (germline): Benign/Likely benign. Review status: criteria provided, multiple submitters, no conflicts (2 of 4 stars). 4 submissions from 4 submitters: Benign (1); Likely benign (3). Last evaluated 2025-04-03.

Conditions:
Brachydactyly type A1. Also called: FARABEE-TYPE BRACHYDACTYLY; SHORT STATURE WITH NONSPECIFIC SKELETAL ABNORMALITIES 2. Identifiers: Orphanet 93388, MedGen C1862151, MONDO:0007215, OMIM 112500, HP:0009371.

Allele frequency attached by ClinVar (database versions not stated): ExAC 0.00008; gnomAD exomes 0.00009 and 0.00011; gnomAD 0.00012 and 0.00013; TOPMed 0.00013.

Submissions (4):

Women's Health and Genetics/Laboratory Corporation of America, LabCorp
Classification: Likely benign. Last evaluated: 2025-04-03. Review status: criteria provided, single submitter. Criteria: LabCorp Variant Classification Summary - May 2015. Collection method: clinical testing. Allele origin: germline.

Blueprint Genetics
Classification: Likely benign. Last evaluated: 2024-10-11. Review status: criteria provided, single submitter. Criteria: ACMG Guidelines, 2015. Collection method: clinical testing. Allele origin: germline.

Labcorp Genetics (formerly Invitae), Labcorp
Classification: Likely benign. Last evaluated: 2024-08-27. Review status: criteria provided, single submitter. Criteria: Invitae Variant Classification Sherloc (09022015). Collection method: clinical testing. Allele origin: germline.

Illumina Laboratory Services, Illumina
Classification: Benign for Brachydactyly type A1. Last evaluated: 2017-04-28. Review status: criteria provided, single submitter. Criteria: ICSL Variant Classification Criteria 13 December 2019. Collection method: clinical testing. Allele origin: germline.
Comment: This variant was observed as part of a predisposition screen in an ostensibly healthy population. A literature search was performed for the gene, cDNA change, and amino acid change (where applicable). No publications were found based on this search. Allele frequency data from public databases was too high to be consistent with this variant causing disease. Therefore, this variant is classified as benign.

NM_002181.4(IHH):c.207C>A (p.Gly69=)

Gene: IHH (Indian hedgehog signaling molecule; minus strand). Cytogenetic location: 2q35.
Variant type: single nucleotide variant.
Coding change: c.207C>A on transcript NM_002181.4 (MANE Select); coding-DNA position 207, C replaced by A.
Protein change: p.Gly69=; no amino-acid change (glycine 69 retained).
Molecular consequence: synonymous variant.
Genome position (GRCh38, 1-based): chr2:219,060,261, G>T on the plus strand (C>A on the coding strand, the complement: IHH is on the minus strand). VCF-style: chr2-219060261-G-T. GRCh37 (hg19) VCF-style: chr2-219924983-G-T.
Identifiers: ClinVar variation 738671 (VCV000738671.15), dbSNP rs775613506, ClinGen allele CA2116753.